The following is an entry in ClinVar:

NM_015425.6(POLR1A):c.2656C>T (p.His886Tyr)

Gene: POLR1A (RNA polymerase I subunit A; minus strand). Cytogenetic location: 2p11.2.
Variant type: single nucleotide variant.
Coding change: c.2656C>T on transcript NM_015425.6 (MANE Select); coding-DNA position 2656, C replaced by T.
Protein change: p.His886Tyr; replaces histidine 886 with tyrosine.
Molecular consequence: missense variant.
Genome position (GRCh38, 1-based): chr2:86,047,242, G>A on the plus strand (C>T on the coding strand, the complement: POLR1A is on the minus strand). VCF-style: chr2-86047242-G-A. GRCh37 (hg19) VCF-style: chr2-86274365-G-A.
Other names: short protein forms H886Y.
Identifiers: ClinVar variation 3003914 (VCV003003914.2), dbSNP rs774794501, ClinGen allele CA1745987.

ClinVar aggregate classification (germline): Uncertain significance (1 of 4 stars; one submission).

Allele frequency attached by ClinVar (database versions not stated): ExAC 0.00001; gnomAD 0.00001; gnomAD exomes 0.00001.
gnomAD v4.1: 8 of 1,613,744 alleles (0.0005%); highest among the groups gnomAD compares: Admixed American, 0.0067%; no homozygotes.

Submission:

Labcorp Genetics (formerly Invitae), Labcorp
Classification: Uncertain significance. Last evaluated: 2024-03-05. Review status: criteria provided, single submitter. Criteria: Invitae Variant Classification Sherloc (09022015). Collection method: clinical testing. Allele origin: germline.
Comment: This sequence change replaces histidine, which is basic and polar, with tyrosine, which is neutral and polar, at codon 886 of the POLR1A protein (p.His886Tyr). This variant is present in population databases (rs774794501, gnomAD 0.006%). This variant has not been reported in the literature in individuals affected with POLR1A-related conditions. Advanced modeling of protein sequence and biophysical properties (such as structural, functional, and spatial information, amino acid conservation, physicochemical variation, residue mobility, and thermodynamic stability) performed at Invitae indicates that this missense variant is expected to disrupt POLR1A protein function with a positive predictive value of 80%. In summary, the available evidence is currently insufficient to determine the role of this variant in disease. Therefore, it has been classified as a Variant of Uncertain Significance.